The following is an entry in ClinVar:

NM_001127221.2(CACNA1A):c.5572G>A (p.Val1858Ile)

Gene: CACNA1A (calcium voltage-gated channel subunit alpha1 A; minus strand). Cytogenetic location: 19p13.13.
Variant type: single nucleotide variant.
Coding change: c.5572G>A on transcript NM_001127221.2 (MANE Plus Clinical); coding-DNA position 5572, G replaced by A.
Protein change: p.Val1858Ile; replaces valine 1858 with isoleucine.
Molecular consequence: missense variant. On other transcripts: intron variant (4).
Genome position (GRCh38, 1-based): chr19:13,228,755, C>T on the plus strand (G>A on the coding strand, the complement: CACNA1A is on the minus strand). VCF-style: chr19-13228755-C-T. GRCh37 (hg19) VCF-style: chr19-13339569-C-T.
Other names: c.5529-1228G>A (NM_001127222.2); c.5538-1228G>A (NM_001174080.2); c.5547-1228G>A (NM_000068.4, NM_023035.3); short protein forms V1858I.
Identifiers: ClinVar variation 4530756 (VCV004530756.1).

ClinVar aggregate classification (germline): Uncertain significance (1 of 4 stars; one submission).

gnomAD v4.1: 1 of 1,601,910 alleles (0.000062%); highest among the groups gnomAD compares: Non-Finnish European, 0.000085%; no homozygotes.

Submission:

GeneDx
Classification: Uncertain significance. Last evaluated: 2025-05-24. Review status: criteria provided, single submitter. Criteria: GeneDx Variant Classification Process June 2021. Collection method: clinical testing. Allele origin: germline. Affected: yes.
Comment: Not observed at significant frequency in large population cohorts (gnomAD); In silico analysis supports that this missense variant has a deleterious effect on protein structure/function; Has not been previously published as pathogenic or benign to our knowledge